The following is an entry in ClinVar:

ClinVar aggregate classification (germline): Uncertain significance. Review status: criteria provided, multiple submitters, no conflicts (2 of 4 stars). 2 submissions from 2 submitters: Uncertain significance (2). Last evaluated 2025-12-19.

Allele frequency attached by ClinVar (database versions not stated): gnomAD exomes below 0.00001.
gnomAD v4.1: 1 of 1,613,372 alleles (0.000062%); highest among the groups gnomAD compares: Non-Finnish European, 0.000085%; no homozygotes.

Submissions (2):

GeneDx
Classification: Uncertain significance. Last evaluated: 2025-12-19. Review status: criteria provided, single submitter. Criteria: GeneDx Variant Classification Process June 2021. Collection method: clinical testing. Allele origin: germline.
Comment: In silico analysis supports that this missense variant has a deleterious effect on protein structure/function; Has not been previously published as pathogenic or benign to our knowledge; Not observed at significant frequency in large population cohorts (gnomAD)

Ambry Genetics
Classification: Uncertain significance. Last evaluated: 2025-08-26. Review status: criteria provided, single submitter. Criteria: Ambry Variant Classification Scheme 2023. Collection method: clinical testing. Allele origin: germline.

NM_001961.4(EEF2):c.1940G>A (p.Arg647His)

Gene: EEF2 (eukaryotic translation elongation factor 2; minus strand). Cytogenetic location: 19p13.3.
Variant type: single nucleotide variant.
Coding change: c.1940G>A on transcript NM_001961.4 (MANE Select); coding-DNA position 1940, G replaced by A.
Protein change: p.Arg647His; replaces arginine 647 with histidine.
Molecular consequence: missense variant.
Genome position (GRCh38, 1-based): chr19:3,977,946, C>T on the plus strand (G>A on the coding strand, the complement: EEF2 is on the minus strand). VCF-style: chr19-3977946-C-T. GRCh37 (hg19) VCF-style: chr19-3977944-C-T.
Other names: short protein forms R647H.
Identifiers: ClinVar variation 3253129 (VCV003253129.3), dbSNP rs867219501.
Genomic context (GRCh38, chr19:3,977,946, plus strand): 5'-TTGGTGATGTCGGTGAGGATGTTGGGGCCGGTGCCGTCGGGCCCAAAGCACCAGATCTTG[C>T]GGGCCTCAGCCACGTCCCACTCGTACTTCTCGGCCAGGTAGCGCGCCCGCTGCTTGAGCT-3'
Protein context (NP_001952.1, residues 637-657): EKYEWDVAEA[Arg647His]KIWCFGPDGT